The following is an entry in ClinVar:

ClinVar aggregate classification (germline): Uncertain significance (1 of 4 stars; one submission).

Submission:

Labcorp Genetics (formerly Invitae), Labcorp
Classification: Uncertain significance. Last evaluated: 2024-02-16. Review status: criteria provided, single submitter. Criteria: Invitae Variant Classification Sherloc (09022015). Collection method: clinical testing. Allele origin: germline.
Comment: This sequence change replaces glycine, which is neutral and non-polar, with arginine, which is basic and polar, at codon 803 of the GRIA3 protein (p.Gly803Arg). This variant is not present in population databases (gnomAD no frequency). This variant has not been reported in the literature in individuals affected with GRIA3-related conditions. Advanced modeling of protein sequence and biophysical properties (such as structural, functional, and spatial information, amino acid conservation, physicochemical variation, residue mobility, and thermodynamic stability) has been performed at Invitae for this missense variant, however the output from this modeling did not meet the statistical confidence thresholds required to predict the impact of this variant on GRIA3 protein function. In summary, the available evidence is currently insufficient to determine the role of this variant in disease. Therefore, it has been classified as a Variant of Uncertain Significance.

NM_000828.5(GRIA3):c.2407G>A (p.Gly803Arg)

Gene: GRIA3 (glutamate ionotropic receptor AMPA type subunit 3; plus strand). Cytogenetic location: Xq25.
Variant type: single nucleotide variant.
Coding change: c.2407G>A on transcript NM_000828.5 (MANE Plus Clinical); coding-DNA position 2407, G replaced by A.
Protein change: p.Gly803Arg; replaces glycine 803 with arginine.
Molecular consequence: missense variant. On other transcripts: intron variant (1).
Genome position (GRCh38, 1-based): chrX:123,465,756, G>A. VCF-style: chrX-123465756-G-A. GRCh37 (hg19) VCF-style: chrX-122599607-G-A.
Other names: c.2324+644G>A (NM_007325.5); short protein forms G803R.
Identifiers: ClinVar variation 3641410 (VCV003641410.2).